The following is an entry in ClinVar:

ClinVar aggregate classification (germline): Uncertain significance (1 of 4 stars; one submission).

Conditions:
Legius syndrome. Identifiers: Orphanet 137605, MedGen C1969623, MONDO:0012669, OMIM 611431. Disease mechanism: loss of function.

gnomAD v4.1: 4 of 1,611,692 alleles (0.00025%); highest among the groups gnomAD compares: Non-Finnish European, 0.00034%; no homozygotes.

Submission:

Labcorp Genetics (formerly Invitae), Labcorp
Classification: Uncertain significance for Legius syndrome. Last evaluated: 2025-04-01. Review status: criteria provided, single submitter. Criteria: Invitae Variant Classification Sherloc (09022015). Collection method: clinical testing. Allele origin: germline.
Comment: This sequence change falls in intron 4 of the SPRED1 gene. It does not directly change the encoded amino acid sequence of the SPRED1 protein. It affects a nucleotide within the consensus splice site. This variant is not present in population databases (gnomAD no frequency). This variant has not been reported in the literature in individuals affected with SPRED1-related conditions. Variants that disrupt the consensus splice site are a relatively common cause of aberrant splicing (PMID: 17576681, 9536098). Algorithms developed to predict the effect of sequence changes on RNA splicing suggest that this variant is not likely to affect RNA splicing. In summary, the available evidence is currently insufficient to determine the role of this variant in disease. Therefore, it has been classified as a Variant of Uncertain Significance.

Literature cited by the submitters: PubMed 17576681; PubMed 9536098.

NM_152594.3(SPRED1):c.423+4A>C

Gene: SPRED1 (sprouty related EVH1 domain containing 1; plus strand). Cytogenetic location: 15q14.
Variant type: single nucleotide variant.
Coding change: c.423+4A>C on transcript NM_152594.3 (MANE Select); 4 bases into the intron after coding-DNA position 423, A replaced by C.
Molecular consequence: intron variant.
Genome position (GRCh38, 1-based): chr15:38,324,813, A>C. VCF-style: chr15-38324813-A-C. GRCh37 (hg19) VCF-style: chr15-38617014-A-C.
Identifiers: ClinVar variation 4708990 (VCV004708990.1).